The following is an entry in ClinVar:

NM_001159699.2(FHL1):c.436A>G (p.Ser146Gly)

Gene: FHL1 (four and a half LIM domains 1; plus strand). Cytogenetic location: Xq26.3.
Variant type: single nucleotide variant.
Coding change: c.436A>G on transcript NM_001159699.2 (MANE Select); coding-DNA position 436, A replaced by G.
Protein change: p.Ser146Gly; replaces serine 146 with glycine.
Molecular consequence: missense variant. On other transcripts: non-coding transcript variant (1).
Genome position (GRCh38, 1-based): chrX:136,207,848, A>G. VCF-style: chrX-136207848-A-G. GRCh37 (hg19) VCF-style: chrX-135290007-A-G.
Other names: c.388A>G, p.Ser130Gly (NM_001159700.2, NM_001159702.3, NM_001159703.2 and 9 more transcripts); c.475A>G, p.Ser159Gly (NM_001159701.2); c.436A>G, p.Ser146Gly (NM_001330659.2); short protein forms S130G, S146G, S159G.
Identifiers: ClinVar variation 239008 (VCV000239008.9), dbSNP rs878854460, ClinGen allele CA10583932.

ClinVar aggregate classification (germline): Uncertain significance. Review status: criteria provided, multiple submitters, no conflicts (2 of 4 stars). 2 submissions from 2 submitters: Uncertain significance (2). Last evaluated 2024-10-20.

Conditions:
X-linked myopathy with postural muscle atrophy. Also called: FHL1-Related Emery-Dreifuss Muscular Dystrophy, X-Linked. Identifiers: Orphanet 178461, MedGen C2678055, MONDO:0010401, OMIM 300696.

Allele frequency attached by ClinVar (database versions not stated): gnomAD exomes 0.00001.
gnomAD v4.1: 8 of 1,212,148 alleles (0.00066%); highest among the groups gnomAD compares: Non-Finnish European, 0.00067%; no homozygotes.

Submissions (2):

Labcorp Genetics (formerly Invitae), Labcorp
Classification: Uncertain significance for X-linked myopathy with postural muscle atrophy. Last evaluated: 2024-10-20. Review status: criteria provided, single submitter. Criteria: Invitae Variant Classification Sherloc (09022015). Collection method: clinical testing. Allele origin: germline.
Comment: This sequence change replaces serine, which is neutral and polar, with glycine, which is neutral and non-polar, at codon 130 of the FHL1 protein (p.Ser130Gly). This variant is not present in population databases (gnomAD no frequency). This variant has not been reported in the literature in individuals affected with FHL1-related conditions. ClinVar contains an entry for this variant (Variation ID: 239008). An algorithm developed to predict the effect of missense changes on protein structure and function (PolyPhen-2) suggests that this variant is likely to be disruptive. In summary, the available evidence is currently insufficient to determine the role of this variant in disease. Therefore, it has been classified as a Variant of Uncertain Significance.

GeneDx
Classification: Uncertain significance. Last evaluated: 2023-01-11. Review status: criteria provided, single submitter. Criteria: GeneDx Variant Classification Process June 2021. Collection method: clinical testing. Allele origin: germline. Affected: yes.
Comment: Not observed at significant frequency in large population cohorts (gnomAD); In silico analysis supports that this missense variant does not alter protein structure/function; Has not been previously published as pathogenic or benign to our knowledge